The following is an entry in ClinVar:

NM_032119.4(ADGRV1):c.14517+1G>T

Gene: ADGRV1 (adhesion G protein-coupled receptor V1; plus strand). Cytogenetic location: 5q14.3.
Variant type: single nucleotide variant.
Coding change: c.14517+1G>T on transcript NM_032119.4 (MANE Select); the canonical splice donor site of the intron after coding-DNA position 14517, G replaced by T.
Molecular consequence: splice donor variant.
Genome position (GRCh38, 1-based): chr5:90,791,347, G>T. VCF-style: chr5-90791347-G-T. GRCh37 (hg19) VCF-style: chr5-90087164-G-T.
Identifiers: ClinVar variation 2769899 (VCV002769899.3), dbSNP rs2532013251, ClinGen allele CA360403016.
Genomic context (GRCh38, chr5:90,791,347, plus strand): 5'-CAGCTGGTGGTCAAAGATGGTGCCACATATAAAGTGGACGTGGTGCCAATAAAGAATCAG[G>T]TTTGTGGCATTTCTTCAGTTTCCTGATCATTCCAATAAAACCCTTTCAGGAGTGCCCATG-3'

ClinVar aggregate classification (germline): Pathogenic (1 of 4 stars; one submission).

Submission:

Labcorp Genetics (formerly Invitae), Labcorp
Classification: Pathogenic. Last evaluated: 2023-10-24. Review status: criteria provided, single submitter. Criteria: Invitae Variant Classification Sherloc (09022015). Collection method: clinical testing. Allele origin: germline.
Comment: This sequence change affects a donor splice site in intron 70 of the ADGRV1 gene. It is expected to disrupt RNA splicing. Variants that disrupt the donor or acceptor splice site typically lead to a loss of protein function (PMID: 16199547), and loss-of-function variants in ADGRV1 are known to be pathogenic (PMID: 19357117, 22135276, 22147658, 26226137, 30718709, 31047384, 32467589). This variant is not present in population databases (gnomAD no frequency). Disruption of this splice site has been observed in individual(s) with clinical features of Usher syndrome (Invitae). Algorithms developed to predict the effect of sequence changes on RNA splicing suggest that this variant may disrupt the consensus splice site. For these reasons, this variant has been classified as Pathogenic.

Literature cited by the submitters: PubMed 16199547; PubMed 19357117; PubMed 22135276; PubMed 22147658; PubMed 26226137; PubMed 30718709; PubMed 31047384; PubMed 32467589.